The following is an entry in ClinVar:

ClinVar aggregate classification (germline): Uncertain significance. Review status: criteria provided, multiple submitters, no conflicts (2 of 4 stars). 2 submissions from 2 submitters: Uncertain significance (2). Last evaluated 2024-01-12.

Conditions:
Familial thoracic aortic aneurysm and aortic dissection (TAAD). Also called: Thoracic aortic aneurysms and dissections. Identifiers: Orphanet 91387, MedGen C4707243, MONDO:0019625.

Submissions (2):

Mayo Clinic Laboratories, Mayo Clinic
Classification: Uncertain significance. Last evaluated: 2024-01-12. Review status: criteria provided, single submitter. Criteria: ACMG Guidelines, 2015. Collection method: clinical testing. Allele origin: germline. Observed: 1 variant allele.
Comment: PP2, PP3, PM2

Labcorp Genetics (formerly Invitae), Labcorp
Classification: Uncertain significance for Familial thoracic aortic aneurysm and aortic dissection. Last evaluated: 2019-09-28. Review status: criteria provided, single submitter. Criteria: Invitae Variant Classification Sherloc (09022015). Collection method: clinical testing. Allele origin: germline.
Comment: In summary, the available evidence is currently insufficient to determine the role of this variant in disease. Therefore, it has been classified as a Variant of Uncertain Significance. Algorithms developed to predict the effect of sequence changes on RNA splicing suggest that this variant may disrupt the consensus splice site, but this prediction has not been confirmed by published transcriptional studies. Algorithms developed to predict the effect of missense changes on protein structure and function are either unavailable or do not agree on the potential impact of this missense change (SIFT: "Deleterious"; PolyPhen-2: "Possibly Damaging"; Align-GVGD: "Class C0"). This variant is not present in population databases (ExAC no frequency). This sequence change replaces arginine with glycine at codon 69 of the SMAD3 protein (p.Arg69Gly). The arginine residue is moderately conserved and there is a moderate physicochemical difference between arginine and glycine.

Literature cited by the submitters: PubMed 12686552 (cited by Mayo Clinic Laboratories, Mayo Clinic).

NM_005902.4(SMAD3):c.205A>G (p.Arg69Gly)

Gene: SMAD3 (SMAD family member 3; plus strand). Cytogenetic location: 15q22.33.
Variant type: single nucleotide variant.
Coding change: c.205A>G on transcript NM_005902.4 (MANE Select); coding-DNA position 205, A replaced by G.
Protein change: p.Arg69Gly; replaces arginine 69 with glycine.
Molecular consequence: missense variant.
Genome position (GRCh38, 1-based): chr15:67,066,359, A>G. VCF-style: chr15-67066359-A-G. GRCh37 (hg19) VCF-style: chr15-67358697-A-G.
Other names: p.Arg69Gly; short protein forms R69G.
Identifiers: ClinVar variation 936472 (VCV000936472.9), dbSNP rs1959916737, ClinGen allele CA393203123.